The following is an entry in ClinVar:

ClinVar aggregate classification (germline): Uncertain significance. Review status: criteria provided, single submitter (1 of 4 stars). 2 submissions from 2 submitters: Uncertain significance (1). 1 of the submissions does not count toward it. Last evaluated 2023-08-10.

Conditions:
Gaucher disease type I (GD1). Also called: GLUCOCEREBROSIDASE DEFICIENCY; Type 1 Gaucher Disease; GD 1; GAUCHER DISEASE, NONCEREBRAL JUVENILE; GBA DEFICIENCY; GD I. Identifiers: Orphanet 355, Orphanet 77259, MedGen C1961835, MONDO:0009265, OMIM 230800.

Allele frequency attached by ClinVar (database versions not stated): gnomAD 0.00001; TOPMed 0.00003.
gnomAD v4.1: 3 of 1,614,060 alleles (0.00019%); highest among the groups gnomAD compares: African/African-American, 0.004%; no homozygotes.

Submissions (2):

Women's Health and Genetics/Laboratory Corporation of America, LabCorp
Classification: Uncertain significance. Last evaluated: 2023-08-10. Review status: criteria provided, single submitter. Criteria: LabCorp Variant Classification Summary - May 2015. Collection method: clinical testing. Allele origin: germline.
Comment: Variant summary: GBA c.1151C>T (p.Ser384Phe) results in a non-conservative amino acid change located in the Glycosyl hydrolase family 30, TIM-barrel domain (IPR033453) of the encoded protein sequence. Three of five in-silico tools predict a benign effect of the variant on protein function. The variant was absent in 251432 control chromosomes (gnomAD). The available data on variant occurrences in the general population are insufficient to allow any conclusion about variant significance. To our knowledge, no occurrence of c.1151C>T in individuals affected with Gaucher Disease and no experimental evidence demonstrating its impact on protein function have been reported. One ClinVar submitter has assessed the variant since 2014, and classified the variant as likely pathogenic. Based on the evidence outlined above, the variant was classified as uncertain significance.

Department of Pediatrics, Division of Medical Genetics, Faculty of Medicine Ramathibodi Hospital, Mahidol University
Classification: Likely pathogenic for Gaucher disease type I. Last evaluated: 2020-06-04. Review status: no assertion criteria provided. Collection method: research. Allele origin: germline. Inheritance: Autosomal recessive inheritance. Affected: yes. Observed: 1 compound heterozygote. Not counted in ClinVar's aggregate classification.
Comment: The c.1151C>T variant was not found from large population studies and our in-house data base. This variant segregated with non-neuronopathic Gaucher disease. Additionally, glucocerebrosidase enzyme activity was deficient.

NM_000157.4(GBA1):c.1151C>T (p.Ser384Phe)

Genes: GBA1 (glucosylceramidase beta 1; minus strand), LOC106627981 (GBA recombination region; plus strand). Cytogenetic location: 1q22.
Variant type: single nucleotide variant.
Coding change: c.1151C>T on transcript NM_000157.4 (MANE Select); coding-DNA position 1151, C replaced by T.
Protein change: p.Ser384Phe; replaces serine 384 with phenylalanine.
Molecular consequence: missense variant.
Genome position (GRCh38, 1-based): chr1:155,236,318, G>A on the plus strand (C>T on the coding strand, the complement: GBA1 is on the minus strand). VCF-style: chr1-155236318-G-A. GRCh37 (hg19) VCF-style: chr1-155206109-G-A.
Other names: c.1151C>T (NM_001005741.2); c.1151C>T, p.Ser384Phe (NM_001005741.3, NM_001005742.3); c.890C>T, p.Ser297Phe (NM_001171811.2); c.1004C>T, p.Ser335Phe (NM_001171812.2); short protein forms S297F, S335F, S384F.
Identifiers: ClinVar variation 917863 (VCV000917863.4), dbSNP rs868591897, ClinGen allele CA30894796.